The following is an entry in ClinVar:

NM_001849.4(COL6A2):c.1861G>A (p.Asp621Asn)

Gene: COL6A2 (collagen type VI alpha 2 chain; plus strand). Cytogenetic location: 21q22.3.
Variant type: single nucleotide variant.
Coding change: c.1861G>A on transcript NM_001849.4 (MANE Select); coding-DNA position 1861, G replaced by A.
Protein change: p.Asp621Asn; replaces aspartic acid 621 with asparagine.
Molecular consequence: missense variant.
Genome position (GRCh38, 1-based): chr21:46,125,509, G>A. VCF-style: chr21-46125509-G-A. GRCh37 (hg19) VCF-style: chr21-47545423-G-A.
Other names: D620N; c.1861G>A, p.Asp621Asn (NM_058174.3, NM_058175.3); short protein forms D621N.
Identifiers: ClinVar variation 17159 (VCV000017159.61), dbSNP rs267606750, ClinGen allele CA257724.

ClinVar aggregate classification (germline): Pathogenic/Likely pathogenic. Review status: criteria provided, multiple submitters, no conflicts (2 of 4 stars). 7 submissions from 7 submitters: Pathogenic (5); Likely pathogenic (1). 1 of the submissions does not count toward it. Last evaluated 2025-08-23.

Conditions:
Bethlem myopathy 1B (BTHLM1B). Identifiers: MedGen C5935580, MONDO:0958233, OMIM 620725.
COL6A2-related disorder.
Bethlem myopathy 1A. Also called: MYOPATHY, BENIGN CONGENITAL, WITH CONTRACTURES; Bethlem Muscular Dystrophy; Bethlem myopathy 1. Identifiers: Orphanet 610, MedGen CN029274, MONDO:0024530, OMIM 158810.

Allele frequency attached by ClinVar (database versions not stated): TOPMed below 0.00001.

Submissions (7):

Labcorp Genetics (formerly Invitae), Labcorp
Classification: Pathogenic for Bethlem myopathy 1A. Last evaluated: 2025-08-23. Review status: criteria provided, single submitter. Criteria: Invitae Variant Classification Sherloc (09022015). Collection method: clinical testing. Allele origin: germline.
Comment: This sequence change replaces aspartic acid, which is acidic and polar, with asparagine, which is neutral and polar, at codon 621 of the COL6A2 protein (p.Asp621Asn). This variant is not present in population databases (gnomAD no frequency). This missense change has been observed in individuals with autosomal dominant limb-girdle muscular dystrophy and/or Bethlem myopathy (PMID: 11865138, 20576434). It has also been observed to segregate with disease in related individuals. This variant is also known as p.Asp620Asn. ClinVar contains an entry for this variant (Variation ID: 17159). Invitae Evidence Modeling of protein sequence and biophysical properties (such as structural, functional, and spatial information, amino acid conservation, physicochemical variation, residue mobility, and thermodynamic stability) indicates that this missense variant is expected to disrupt COL6A2 protein function with a positive predictive value of 80%. For these reasons, this variant has been classified as Pathogenic.

Victorian Clinical Genetics Services, Murdoch Childrens Research Institute
Classification: Pathogenic for Bethlem myopathy 1A. Last evaluated: 2023-12-21. Review status: criteria provided, single submitter. Criteria: ACMG Guidelines, 2015. Collection method: clinical testing. Allele origin: germline. Inheritance: Autosomal dominant inheritance. Affected: yes.
Comment: Based on the classification scheme VCGS_Germline_v1.3.4, this variant is classified as Pathogenic. Following criteria are met: 0103 - Dominant negative and loss of function are known mechanisms of disease in this gene and are associated with Bethlem myopathy 1 (MIM#158810), Ullrich congenital muscular dystrophy 1 (MIM#254090) and Myosclerosis, congenital (MIM#255600). Dominant negative is associated with pathogenic missense variants affecting the Gly-X-Y repeats within the triple helical domain while loss of function is reported for null and missense variants (DECIPHER, PMID: 19884007, 31471117) . (I) 0108 - This gene is associated with both recessive and dominant disease. (OMIM). (I) 0115 - Variants in this gene are known to have variable expressivity. The severity of collagen VI-related dystrophies manifestations may vary among family members who are heterozygous for the same pathogenic variant. (GeneReviews). (I) 0200 - Variant is predicted to result in a missense amino acid change from aspartic acid to asparagine. (I) 0251 - This variant is heterozygous. (I) 0301 - Variant is absent from gnomAD (both v2 and v3). (SP) 0501 - Missense variant consistently predicted to be damaging by multiple in silico tools. (SP) 0600 - Variant is located in the annotated von Willebrand factor type A domain (DECIPHER). (I) 0801 - This variant has strong previous evidence of pathogenicity in unrelated individuals. ClinVar contains four pathogenic/likely pathogenic entries, and three families with multiple individuals affected with Bethlem myopathy have been reported in the literature (PMID: 25535305, 32419263). (SP) 0901 - This variant has strong evidence for segregation with disease in two families (PMID: 25535305). (SP) 1208 - Inheritance information for this variant is not currently available in this individual. (I) Legend: (SP) - Supporting pathogenic, (I) - Information, (SB) - Supporting benign

Blueprint Genetics
Classification: Pathogenic for COL6A2-related disorders. Last evaluated: 2021-04-20. Review status: criteria provided, single submitter. Criteria: ACMG Guidelines, 2015. Collection method: clinical testing. Allele origin: germline. Affected: yes. Observed: 2 variant alleles.

CeGaT Center for Human Genetics Tuebingen
Classification: Pathogenic. Last evaluated: 2019-06-01. Review status: criteria provided, single submitter. Criteria: CeGaT Center For Human Genetics Tuebingen Variant Classification Criteria Version 2. Collection method: clinical testing. Allele origin: germline. Affected: yes. Observed: 1 variant allele.

Revvity Omics, Revvity
Classification: Likely pathogenic. Last evaluated: 2019-03-05. Review status: criteria provided, single submitter. Criteria: ACMG Guidelines, 2015. Collection method: clinical testing. Allele origin: germline.

Eurofins Ntd Llc (ga)
Classification: Pathogenic. Last evaluated: 2017-11-24. Review status: criteria provided, single submitter. Criteria: EGL Classification Definitions 2015. Collection method: clinical testing. Allele origin: germline. Observed: 11 variant alleles, 11 heterozygotes.

OMIM
Classification: Pathogenic for BETHLEM MYOPATHY 1B, AUTOSOMAL DOMINANT. Last evaluated: 2002-02-26. Review status: no assertion criteria provided. Collection method: literature only. Allele origin: germline. Not counted in ClinVar's aggregate classification.

Literature cited by the submitters: PubMed 11865138 (cited by Labcorp Genetics (formerly Invitae), Labcorp and OMIM); PubMed 20576434 (cited by Labcorp Genetics (formerly Invitae), Labcorp); PubMed 19884007 (cited by Victorian Clinical Genetics Services, Murdoch Childrens Research Institute); PubMed 25535305 (cited by Victorian Clinical Genetics Services, Murdoch Childrens Research Institute and Eurofins Ntd Llc (ga)); PubMed 31471117 (cited by Victorian Clinical Genetics Services, Murdoch Childrens Research Institute); PubMed 32419263 (cited by Victorian Clinical Genetics Services, Murdoch Childrens Research Institute); PubMed 23170014 (cited by Eurofins Ntd Llc (ga)); PubMed 9334230 (cited by OMIM).